The following is an entry in ClinVar:

ClinVar aggregate classification (germline): Uncertain significance. Review status: criteria provided, multiple submitters, no conflicts (2 of 4 stars). 2 submissions from 2 submitters: Uncertain significance (2). Last evaluated 2024-10-14.

Conditions:
Autosomal dominant nonsyndromic hearing loss 9. Identifiers: Orphanet 90635, MedGen C1832425, MONDO:0011058, OMIM 601369.

gnomAD v4.1: 2 of 1,612,744 alleles (0.00012%); highest among the groups gnomAD compares: Non-Finnish European, 0.00017%; no homozygotes.

Submissions (2):

Blueprint Genetics
Classification: Uncertain significance. Last evaluated: 2024-10-14. Review status: criteria provided, single submitter. Criteria: ACMG Guidelines, 2015. Collection method: clinical testing. Allele origin: germline.

Precision Medicine Center, Zhengzhou University
Classification: Uncertain significance for Autosomal dominant nonsyndromic hearing loss 9. Last evaluated: 2006-06-30. Review status: criteria provided, single submitter. Criteria: ClinGen HL ACMG Specifications v1. Collection method: clinical testing. Allele origin: paternal. Affected: yes.
Comment: PM2+PP3:The COCH c.614G>T variant is absent or extremely rare in population databases (PM2). Multiple computational prediction tools suggest a potential deleterious effect on COCH protein function (PP3). However, no functional evidence, segregation data, or clinical case enrichment is currently available. According to the ACMG/AMP guidelines, this variant is classified as Variant of Uncertain Significance (VUS).

NM_004086.3(COCH):c.614G>T (p.Gly205Val)

Genes: COCH (cochlin; plus strand), COCH-AS1 (COCH antisense RNA 1; minus strand). Cytogenetic location: 14q12.
Variant type: single nucleotide variant.
Coding change: c.614G>T on transcript NM_004086.3 (MANE Select); coding-DNA position 614, G replaced by T.
Protein change: p.Gly205Val; replaces glycine 205 with valine.
Molecular consequence: missense variant.
Genome position (GRCh38, 1-based): chr14:30,880,719, G>T. VCF-style: chr14-30880719-G-T. GRCh37 (hg19) VCF-style: chr14-31349925-G-T.
Other names: c.614G>T, p.Gly205Val (NM_001135058.2); c.809G>T, p.Gly270Val (NM_001347720.2); short protein forms G205V, G270V.
Identifiers: ClinVar variation 4857397 (VCV004857397.2).
Genomic context (GRCh38, chr14:30,880,719, plus strand): 5'-AGAATTTTGTTGGAAAAGTGGCTCTAATGTTGGGAATTGGAACAGAAGGACCACATGTGG[G>T]CCTTGTTCAAGCCAGGTACCAACCTTGTTAAAATGGGAGATTTAAAAAAAAAATTATTTT-3'
Protein context (NP_004077.1, residues 195-215): LGIGTEGPHV[Gly205Val]LVQASEHPKI